The following is an entry in ClinVar:

ClinVar aggregate classification (germline): Uncertain significance (1 of 4 stars; one submission).

Conditions:
Immunodeficiency 39 (IMD39). Identifiers: Orphanet 574918, MedGen C4225358, MONDO:0014597, OMIM 616345.

Allele frequency attached by ClinVar (database versions not stated): gnomAD exomes 0.00001.

Submission:

Labcorp Genetics (formerly Invitae), Labcorp
Classification: Uncertain significance for Immunodeficiency 39. Last evaluated: 2023-06-21. Review status: criteria provided, single submitter. Criteria: Invitae Variant Classification Sherloc (09022015). Collection method: clinical testing. Allele origin: germline.
Comment: In summary, the available evidence is currently insufficient to determine the role of this variant in disease. Therefore, it has been classified as a Variant of Uncertain Significance. An algorithm developed to predict the effect of missense changes on protein structure and function (PolyPhen-2) suggests that this variant is likely to be disruptive. This variant has not been reported in the literature in individuals affected with IRF7-related conditions. This variant is not present in population databases (gnomAD no frequency). This sequence change replaces leucine, which is neutral and non-polar, with arginine, which is basic and polar, at codon 466 of the IRF7 protein (p.Leu466Arg).

NM_001572.5(IRF7):c.1358T>G (p.Leu453Arg)

Gene: IRF7 (interferon regulatory factor 7; minus strand). Cytogenetic location: 11p15.5.
Variant type: single nucleotide variant.
Coding change: c.1358T>G on transcript NM_001572.5 (MANE Select); coding-DNA position 1358, T replaced by G.
Protein change: p.Leu453Arg; replaces leucine 453 with arginine.
Molecular consequence: missense variant.
Genome position (GRCh38, 1-based): chr11:612,799, A>C on the plus strand (T>G on the coding strand, the complement: IRF7 is on the minus strand). VCF-style: chr11-612799-A-C. GRCh37 (hg19) VCF-style: chr11-612799-A-C.
Other names: c.1271T>G, p.Leu424Arg (NM_004029.4); c.1397T>G, p.Leu466Arg (NM_004031.4); short protein forms L453R, L466R, L424R.
Identifiers: ClinVar variation 2904464 (VCV002904464.3), dbSNP rs2493883551, ClinGen allele CA378976333.